The following is an entry in ClinVar:

NM_000135.4(FANCA):c.3397del (p.His1133fs)

Genes: FANCA (FA complementation group A; minus strand), LOC132090450 (Neanderthal introgressed variant-containing enhancer experimental_46718; plus strand). Cytogenetic location: 16q24.3.
Variant type: Deletion.
Coding change: c.3397del on transcript NM_000135.4 (MANE Select); coding-DNA position 3397, one base deleted (C; older notation c.3397delC).
Protein change: p.His1133fs; shifts the reading frame from histidine 1133.
Molecular consequence: frameshift variant.
Genome position (GRCh38, 1-based): chr16:89,746,842, G deleted on the plus strand (C on the coding strand, the reverse complement: FANCA is on the minus strand); the first of 3 consecutive G bases (chr16:89,746,842-89,746,844); deleting any one gives the same sequence. VCF-style (leftmost placement, unchanged base first): chr16-89746841-TG-T. GRCh37 (hg19) VCF-style: chr16-89813249-TG-T.
Other names: c.3397del, p.His1133fs (NM_001286167.3); c.3397delC (NM_000135.3); short protein forms H1133fs.
Identifiers: ClinVar variation 955220 (VCV000955220.11), dbSNP rs758917273, ClinGen allele CA8251196.

ClinVar aggregate classification (germline): Pathogenic/Likely pathogenic. Review status: criteria provided, multiple submitters, no conflicts (2 of 4 stars). 3 submissions from 3 submitters: Pathogenic (1); Likely pathogenic (1). 1 of the submissions does not count toward it. Last evaluated 2025-03-24.

Conditions:
Fanconi anemia (FA). Also called: Fanconi's anemia. Identifiers: Orphanet 84, MedGen C0015625, MeSH D005199, MONDO:0019391.
Fanconi anemia complementation group A (FANCA). Also called: Fanconi anemia, group A; FANCA-Related Fanconi Anemia. Identifiers: Orphanet 84, MedGen C3469521, MONDO:0009215, OMIM 227650.

Submissions (3):

Natera, Inc.
Classification: Likely pathogenic for Fanconi anemia. Last evaluated: 2025-03-24. Review status: criteria provided, single submitter. Criteria: Natera Variant Classification Schema (03/2026). Collection method: clinical testing. Allele origin: germline.
Comment: The c.3397delC variant in FANCA is a frameshift variant predicted to shift the reading frame beginning at codon 1133 and leads to a stop codon 7 codons downstream. This variant is expected to result in nonsense mediated decay, truncation, or a dysfunctional protein product. This variant is rare in the general population with a frequency below the threshold expected for the associated phenotype(s). Given the available evidence, this variant is classified as Likely Pathogenic.

Labcorp Genetics (formerly Invitae), Labcorp
Classification: Pathogenic for Fanconi anemia. Last evaluated: 2024-03-14. Review status: criteria provided, single submitter. Criteria: Invitae Variant Classification Sherloc (09022015). Collection method: clinical testing. Allele origin: germline.
Comment: This sequence change creates a premature translational stop signal (p.His1133Thrfs*7) in the FANCA gene. It is expected to result in an absent or disrupted protein product. Loss-of-function variants in FANCA are known to be pathogenic (PMID: 19367192). This variant is not present in population databases (gnomAD no frequency). This variant has not been reported in the literature in individuals affected with FANCA-related conditions. ClinVar contains an entry for this variant (Variation ID: 955220). For these reasons, this variant has been classified as Pathogenic.

Leiden Open Variation Database
Classification: Uncertain significance for Fanconi anemia complementation group A. Last evaluated: 2020-02-28. Review status: no assertion criteria provided. Collection method: curation. Allele origin: germline. Affected: yes. Not counted in ClinVar's aggregate classification.
Comment: Curator: Arleen D. Auerbach. Submitter to LOVD: Arleen D. Auerbach.

Literature cited by the submitters: PubMed 19367192 (cited by Labcorp Genetics (formerly Invitae), Labcorp).